The following is an entry in ClinVar:

ClinVar aggregate classification (germline): Likely benign. Review status: criteria provided, multiple submitters, no conflicts (2 of 4 stars). 2 submissions from 2 submitters: Likely benign (2). Last evaluated 2026-06-29.

Conditions:
PCNT-related disorder. Also called: PCNT-related condition.

Allele frequency attached by ClinVar (database versions not stated): TOPMed below 0.00001; ExAC 0.00001.
gnomAD v4.1: 7 of 1,612,464 alleles (0.00043%); highest among the groups gnomAD compares: Middle Eastern, 0.017%; no homozygotes.

Submissions (2):

PreventionGenetics, part of Exact Sciences
Classification: Likely benign for PCNT-related condition. Last evaluated: 2026-06-29. Review status: criteria provided, single submitter. Criteria: ACMG Guidelines, 2015. Collection method: clinical testing. Allele origin: germline.
Comment: This variant is classified as likely benign based on ACMG/AMP sequence variant interpretation guidelines (Richards et al. 2015 PMID: 25741868, with internal and published modifications).

Labcorp Genetics (formerly Invitae), Labcorp
Classification: Likely benign. Last evaluated: 2023-10-31. Review status: criteria provided, single submitter. Criteria: Invitae Variant Classification Sherloc (09022015). Collection method: clinical testing. Allele origin: germline.

NM_006031.6(PCNT):c.8277G>A (p.Glu2759=)

Gene: PCNT (pericentrin; plus strand). Cytogenetic location: 21q22.3.
Variant type: single nucleotide variant.
Coding change: c.8277G>A on transcript NM_006031.6 (MANE Select); coding-DNA position 8277, G replaced by A.
Protein change: p.Glu2759=; no amino-acid change (glutamic acid 2759 retained).
Molecular consequence: synonymous variant.
Genome position (GRCh38, 1-based): chr21:46,431,741, G>A. VCF-style: chr21-46431741-G-A. GRCh37 (hg19) VCF-style: chr21-47851655-G-A.
Other names: c.7923G>A, p.Glu2641= (NM_001315529.2); c.8277G>A (NM_006031.5).
Identifiers: ClinVar variation 2804417 (VCV002804417.4), dbSNP rs774136365, ClinGen allele CA10080928.